The following is an entry in ClinVar:

NM_000444.6(PHEX):c.907del (p.Ser303fs)

Gene: PHEX (phosphate regulating endopeptidase X-linked; plus strand). Cytogenetic location: Xp22.11.
Variant type: Deletion.
Coding change: c.907del on transcript NM_000444.6 (MANE Select); coding-DNA position 907, one base deleted (T; older notation c.907delT).
Protein change: p.Ser303fs; shifts the reading frame from serine 303.
Molecular consequence: frameshift variant.
Genome position (GRCh38, 1-based): chrX:22,097,012, T deleted; the last of 3 consecutive T bases (chrX:22,097,010-22,097,012); deleting any one gives the same sequence. VCF-style (leftmost placement, unchanged base first): chrX-22097009-AT-A. GRCh37 (hg19) VCF-style: chrX-22115127-AT-A.
Other names: c.907del, p.Ser303fs (NM_001282754.2); short protein forms S303fs.
Identifiers: ClinVar variation 1455341 (VCV001455341.6), dbSNP rs2147043710, ClinGen allele CA2573158756.
Genomic context (GRCh38, chrX:22,097,009, plus strand): 5'-CAACAGATAATGATTCCACATGAAAACCGAACCAGCGAGGCCATGTACAACAAAATGAAC[AT>A]TTCTGAACTGAGTGCTATGATTCCCCAGGTTGGTGAAAACTATCCAGAAAACTTTCTCTC-3'

ClinVar aggregate classification (germline): Pathogenic (1 of 4 stars; one submission).

Submission:

Labcorp Genetics (formerly Invitae), Labcorp
Classification: Pathogenic. Last evaluated: 2021-09-01. Review status: criteria provided, single submitter. Criteria: Invitae Variant Classification Sherloc (09022015). Collection method: clinical testing. Allele origin: germline.
Comment: For these reasons, this variant has been classified as Pathogenic. This variant has not been reported in the literature in individuals affected with PHEX-related conditions. This variant is not present in population databases (ExAC no frequency). This sequence change creates a premature translational stop signal (p.Ser303Leufs*3) in the PHEX gene. It is expected to result in an absent or disrupted protein product. Loss-of-function variants in PHEX are known to be pathogenic (PMID: 9097956, 9106524, 19219621).

Literature cited by the submitters: PubMed 9097956; PubMed 9106524; PubMed 19219621.